The following is an entry in ClinVar:

ClinVar aggregate classification (germline): Pathogenic (1 of 4 stars; one submission).

Conditions:
Neurofibromatosis, type 1 (NF1). Also called: NEUROFIBROMATOSIS, TYPE I, SOMATIC; VON RECKLINGHAUSEN DISEASE; Peripheral type neurofibromatosis; Neurofibromatosis, type I. Identifiers: Orphanet 636, MedGen C0027831, MONDO:0018975, OMIM 162200. Disease mechanism: loss of function.

Submission:

Labcorp Genetics (formerly Invitae), Labcorp
Classification: Pathogenic for Neurofibromatosis, type 1. Last evaluated: 2020-11-23. Review status: criteria provided, single submitter. Criteria: Invitae Variant Classification Sherloc (09022015). Collection method: clinical testing. Allele origin: germline.
Comment: This sequence change creates a premature translational stop signal (p.Asn730Thrfs*18) in the NF1 gene. It is expected to result in an absent or disrupted protein product. Loss-of-function variants in NF1 are known to be pathogenic (PMID: 10712197, 23913538). This variant is not present in population databases (ExAC no frequency). For these reasons, this variant has been classified as Pathogenic. This variant has not been reported in the literature in individuals with NF1-related conditions.

Literature cited by the submitters: PubMed 10712197; PubMed 23913538.

NM_001042492.3(NF1):c.2189del (p.Asn730fs)

Gene: NF1 (neurofibromin 1; plus strand). Cytogenetic location: 17q11.2.
Variant type: Deletion.
Coding change: c.2189del on transcript NM_001042492.3 (MANE Select); coding-DNA position 2189, one base deleted (A; older notation c.2189delA).
Protein change: p.Asn730fs; shifts the reading frame from asparagine 730.
Molecular consequence: frameshift variant.
Genome position (GRCh38, 1-based): chr17:31,226,622, A deleted; the last of 2 consecutive A bases (chr17:31,226,621-31,226,622); deleting either gives the same sequence. VCF-style (leftmost placement, unchanged base first): chr17-31226620-TA-T. GRCh37 (hg19) VCF-style: chr17-29553638-TA-T.
Other names: c.2189delA, p.Asn730Thrfs (NM_000267.4); short protein forms N730fs.
Identifiers: ClinVar variation 1452295 (VCV001452295.6), dbSNP rs2151426016, ClinGen allele CA2573153260.